The following is an entry in ClinVar:

NM_006245.4(PPP2R5D):c.162_164del (p.Ser55del)

Gene: PPP2R5D (protein phosphatase 2 regulatory subunit B'delta; plus strand). Cytogenetic location: 6p21.1.
Variant type: Deletion.
Coding change: c.162_164del on transcript NM_006245.4 (MANE Select); coding-DNA positions 162 to 164, 3 bases deleted (ATC; older notation c.162_164delATC).
Protein change: p.Ser55del; deletes serine 55.
Molecular consequence: 5 prime UTR variant (on NM_001270476.2). On other transcripts: intron variant (1).
Genome position (GRCh38, 1-based): chr6:43,006,519-43,006,521, ATC deleted; deleting any 3 consecutive bases within chr6:43,006,517-43,006,521 gives the same sequence; the c. name uses the placement nearest the transcript's 3' end. VCF-style (leftmost placement, unchanged base first): chr6-43006516-GTCA-G. GRCh37 (hg19) VCF-style: chr6-42974254-GTCA-G.
Other names: c.-292_-290del (NM_001270476.2); c.162_164del, p.Ser55del (NM_180976.3); c.28-415_28-413del (NM_180977.3); short protein forms S55del.
Identifiers: ClinVar variation 3600883 (VCV003600883.1).

ClinVar aggregate classification (germline): Uncertain significance (1 of 4 stars; one submission).

Submission:

GeneDx
Classification: Uncertain significance. Last evaluated: 2024-07-24. Review status: criteria provided, single submitter. Criteria: GeneDx Variant Classification Process June 2021. Collection method: clinical testing. Allele origin: germline. Affected: yes.
Comment: Not observed at significant frequency in large population cohorts (gnomAD); In-frame deletion of 1 amino acids in a non-repeat region; In silico analysis supports a deleterious effect on protein structure/function; Has not been previously published as pathogenic or benign to our knowledge